The following is an entry in ClinVar:

ClinVar aggregate classification (germline): Uncertain significance (1 of 4 stars; one submission).

Conditions:
Facioscapulohumeral muscular dystrophy 2 (FSHD2). Also called: MUSCULAR DYSTROPHY, FACIOSCAPULOHUMERAL, TYPE 1B; FACIOSCAPULOHUMERAL MUSCULAR DYSTROPHY 2, DIGENIC; FSHD2, DIGENIC. Identifiers: Orphanet 269, MedGen C1834671, MONDO:0008031, OMIM 158901.

Submission:

Labcorp Genetics (formerly Invitae), Labcorp
Classification: Uncertain significance for Facioscapulohumeral muscular dystrophy 2. Last evaluated: 2025-01-15. Review status: criteria provided, single submitter. Criteria: Invitae Variant Classification Sherloc (09022015). Collection method: clinical testing. Allele origin: germline.
Comment: This sequence change replaces valine, which is neutral and non-polar, with isoleucine, which is neutral and non-polar, at codon 1508 of the SMCHD1 protein (p.Val1508Ile). This variant is not present in population databases (gnomAD no frequency). This variant has not been reported in the literature in individuals affected with SMCHD1-related conditions. Invitae Evidence Modeling of protein sequence and biophysical properties (such as structural, functional, and spatial information, amino acid conservation, physicochemical variation, residue mobility, and thermodynamic stability) indicates that this missense variant is not expected to disrupt SMCHD1 protein function with a negative predictive value of 80%. In summary, the available evidence is currently insufficient to determine the role of this variant in disease. Therefore, it has been classified as a Variant of Uncertain Significance.

NM_015295.3(SMCHD1):c.4522G>A (p.Val1508Ile)

Gene: SMCHD1 (structural maintenance of chromosomes flexible hinge domain containing 1; plus strand). Cytogenetic location: 18p11.32.
Variant type: single nucleotide variant.
Coding change: c.4522G>A on transcript NM_015295.3 (MANE Select); coding-DNA position 4522, G replaced by A.
Protein change: p.Val1508Ile; replaces valine 1508 with isoleucine.
Molecular consequence: missense variant.
Genome position (GRCh38, 1-based): chr18:2,762,192, G>A. VCF-style: chr18-2762192-G-A. GRCh37 (hg19) VCF-style: chr18-2762190-G-A.
Other names: short protein forms V1508I.
Identifiers: ClinVar variation 3646876 (VCV003646876.2).